The following is an entry in ClinVar:

ClinVar aggregate classification (germline): Likely pathogenic (1 of 4 stars; one submission).

Conditions:
Familial cancer of breast. Also called: BREAST CANCER, FAMILIAL; hereditary breast carcinoma; Hereditary breast cancer. Identifiers: Orphanet 227535, MedGen C0346153, MONDO:0016419, OMIM 114480. Disease mechanism: loss of function.

Submission:

Juno Genomics, Hangzhou Juno Genomics, Inc
Classification: Likely pathogenic for Familial cancer of breast. Review status: criteria provided, single submitter. Criteria: ACMG Guidelines, 2015. Collection method: clinical testing. Allele origin: germline.
Comment: Absent from controls (or at extremely low frequency if recessive) in Genome Aggregation Database.;Null variant in a gene where loss of function (LOF) is a known mechanism of disease.

NM_000051.4(ATM):c.707_708dup (p.Thr237fs)

Gene: ATM (ATM serine/threonine kinase; plus strand). Cytogenetic location: 11q22.3.
Variant type: Duplication.
Coding change: c.707_708dup on transcript NM_000051.4 (MANE Select); coding-DNA positions 707 to 708, 2 bases duplicated (TT; older notation c.707_708dupTT).
Protein change: p.Thr237fs; shifts the reading frame from threonine 237.
Molecular consequence: frameshift variant.
Genome position (GRCh38, 1-based): chr11:108,244,832-108,244,833, TT duplicated. VCF-style (leftmost placement, unchanged base first): chr11-108244831-C-CTT. GRCh37 (hg19) VCF-style: chr11-108115558-C-CTT.
Other names: c.707_708dup, p.Thr237fs (NM_001351834.2); short protein forms T237fs.
Identifiers: ClinVar variation 3382499 (VCV003382499.3).